The following is an entry in ClinVar:

ClinVar aggregate classification (germline): Uncertain significance. Review status: criteria provided, multiple submitters, no conflicts (2 of 4 stars). 2 submissions from 2 submitters: Uncertain significance (2). Last evaluated 2025-06-05.

Conditions:
Hereditary cancer-predisposing syndrome. Also called: Tumor predisposition; Neoplastic Syndromes, Hereditary; Hereditary Cancer Syndrome; Hereditary neoplastic syndrome. Identifiers: Orphanet 140162, MedGen C0027672, MeSH D009386, MONDO:0015356.
DICER1-related tumor predisposition. Also called: DICER1-related pleuropulmonary blastoma cancer predisposition syndrome; DICER1 syndrome. Identifiers: Orphanet 284343, MedGen C3839822, MONDO:0100216.

Allele frequency attached by ClinVar (database versions not stated): gnomAD exomes below 0.00001.
gnomAD v4.1: 2 of 1,613,768 alleles (0.00012%); highest among the groups gnomAD compares: African/African-American, 0.0013%; no homozygotes.

Submissions (2):

Labcorp Genetics (formerly Invitae), Labcorp
Classification: Uncertain significance for DICER1-related tumor predisposition. Last evaluated: 2025-06-05. Review status: criteria provided, single submitter. Criteria: Invitae Variant Classification Sherloc (09022015). Collection method: clinical testing. Allele origin: germline.
Comment: This sequence change replaces glycine, which is neutral and non-polar, with valine, which is neutral and non-polar, at codon 525 of the DICER1 protein (p.Gly525Val). This variant is not present in population databases (gnomAD no frequency). This variant has not been reported in the literature in individuals affected with DICER1-related conditions. ClinVar contains an entry for this variant (Variation ID: 1775558). Invitae Evidence Modeling of protein sequence and biophysical properties (such as structural, functional, and spatial information, amino acid conservation, physicochemical variation, residue mobility, and thermodynamic stability) has been performed for this missense variant. However, the output from this modeling did not meet the statistical confidence thresholds required to predict the impact of this variant on DICER1 protein function. In summary, the available evidence is currently insufficient to determine the role of this variant in disease. Therefore, it has been classified as a Variant of Uncertain Significance.

Ambry Genetics
Classification: Uncertain significance for Hereditary cancer-predisposing syndrome. Last evaluated: 2024-03-19. Review status: criteria provided, single submitter. Criteria: Ambry Variant Classification Scheme 2023. Collection method: clinical testing. Allele origin: germline.
Comment: The p.G525V variant (also known as c.1574G>T), located in coding exon 9 of the DICER1 gene, results from a G to T substitution at nucleotide position 1574. The glycine at codon 525 is replaced by valine, an amino acid with dissimilar properties. This amino acid position is highly conserved in available vertebrate species. In addition, this alteration is predicted to be deleterious by in silico analysis. Since supporting evidence is limited at this time, the clinical significance of this alteration remains unclear.

NM_177438.3(DICER1):c.1574G>T (p.Gly525Val)

Gene: DICER1 (dicer 1, ribonuclease III; minus strand). Cytogenetic location: 14q32.13.
Variant type: single nucleotide variant.
Coding change: c.1574G>T on transcript NM_177438.3 (MANE Select); coding-DNA position 1574, G replaced by T.
Protein change: p.Gly525Val; replaces glycine 525 with valine.
Molecular consequence: missense variant. On other transcripts: non-coding transcript variant (6), intron variant (1).
Genome position (GRCh38, 1-based): chr14:95,116,631, C>A on the plus strand (G>T on the coding strand, the complement: DICER1 is on the minus strand). VCF-style: chr14-95116631-C-A. GRCh37 (hg19) VCF-style: chr14-95582968-C-A.
Other names: c.1574G>T, p.Gly525Val (NM_001395684.1, NM_001395692.1, NM_001395693.1 and 13 more transcripts); c.1292G>T, p.Gly431Val (NM_001395686.1); c.1169G>T, p.Gly390Val (NM_001395687.1, NM_001395688.1, NM_001395689.1 and 3 more transcripts); c.1007G>T, p.Gly336Val (NM_001395691.1); c.-59-51G>T (NM_001395697.1); short protein forms G431V, G390V, G336V, G525V.
Identifiers: ClinVar variation 1775558 (VCV001775558.8), dbSNP rs2140125560, ClinGen allele CA390885041.